The following is an entry in ClinVar:

NM_020247.5(COQ8A):c.1108A>G (p.Ser370Gly)

Gene: COQ8A (coenzyme Q8A; plus strand). Cytogenetic location: 1q42.13.
Variant type: single nucleotide variant.
Coding change: c.1108A>G on transcript NM_020247.5 (MANE Select); coding-DNA position 1108, A replaced by G.
Protein change: p.Ser370Gly; replaces serine 370 with glycine.
Molecular consequence: missense variant.
Genome position (GRCh38, 1-based): chr1:226,983,579, A>G. VCF-style: chr1-226983579-A-G. GRCh37 (hg19) VCF-style: chr1-227171280-A-G.
Other names: c.1108A>G (NM_020247.4); short protein forms S370G.
Identifiers: ClinVar variation 2157302 (VCV002157302.2), dbSNP rs180784380, ClinGen allele CA1425315.

ClinVar aggregate classification (germline): Uncertain significance. Review status: criteria provided, multiple submitters, no conflicts (2 of 4 stars). 2 submissions from 2 submitters: Uncertain significance (2). Last evaluated 2022-10-24.

Allele frequency attached by ClinVar (database versions not stated): gnomAD 0.00001; TOPMed 0.00002; gnomAD exomes 0.00003; ExAC 0.00004; 1000 Genomes Project 30x 0.00016; 1000 Genomes Project 0.00020.
gnomAD v4.1: 52 of 1,613,968 alleles (0.0032%); highest among the groups gnomAD compares: Admixed American, 0.005%; no homozygotes.

Submissions (2):

Labcorp Genetics (formerly Invitae), Labcorp
Classification: Uncertain significance. Last evaluated: 2022-10-24. Review status: criteria provided, single submitter. Criteria: Invitae Variant Classification Sherloc (09022015). Collection method: clinical testing. Allele origin: germline.
Comment: This sequence change replaces serine, which is neutral and polar, with glycine, which is neutral and non-polar, at codon 370 of the COQ8A protein (p.Ser370Gly). This variant is present in population databases (rs180784380, gnomAD 0.006%). This variant has not been reported in the literature in individuals affected with COQ8A-related conditions. Algorithms developed to predict the effect of missense changes on protein structure and function (SIFT, PolyPhen-2, Align-GVGD) all suggest that this variant is likely to be disruptive. In summary, the available evidence is currently insufficient to determine the role of this variant in disease. Therefore, it has been classified as a Variant of Uncertain Significance.

GeneDx
Classification: Uncertain significance. Last evaluated: 2022-10-03. Review status: criteria provided, single submitter. Criteria: GeneDx Variant Classification Process June 2021. Collection method: clinical testing. Allele origin: germline. Affected: yes.
Comment: Not observed at significant frequency in large population cohorts (gnomAD); In silico analysis supports that this missense variant has a deleterious effect on protein structure/function; Has not been previously published as pathogenic or benign to our knowledge